The following is an entry in ClinVar:

ClinVar aggregate classification (germline): Uncertain significance (1 of 4 stars; one submission).

Submission:

Labcorp Genetics (formerly Invitae), Labcorp
Classification: Uncertain significance. Last evaluated: 2022-09-19. Review status: criteria provided, single submitter. Criteria: Invitae Variant Classification Sherloc (09022015). Collection method: clinical testing. Allele origin: germline.
Comment: This variant, c.177_185dup, results in the insertion of 3 amino acid(s) of the NSMCE3 protein (p.Ser60_Gly62dup), but otherwise preserves the integrity of the reading frame. This variant is present in population databases (rs780262072, gnomAD 0.01%). This variant has not been reported in the literature in individuals affected with NSMCE3-related conditions. In summary, the available evidence is currently insufficient to determine the role of this variant in disease. Therefore, it has been classified as a Variant of Uncertain Significance.

NM_138704.4(NSMCE3):c.177_185dup (p.Gly62_Pro63insSerGlnGly)

Genes: ENTREP2 (endosomal transmembrane epsin interactor 2; minus strand), NSMCE3 (NSE3 homolog, SMC5-SMC6 complex component; minus strand). Cytogenetic location: 15q13.1.
Variant type: Duplication.
Coding change: c.177_185dup on transcript NM_138704.4 (MANE Select); coding-DNA positions 177 to 185, 9 bases duplicated (GTCGCAGGG; older notation c.177_185dupGTCGCAGGG).
Protein change: p.Gly62_Pro63insSerGlnGly.
Molecular consequence: inframe insertion. On other transcripts: intron variant (5).
Genome position (GRCh38, 1-based): chr15:29,269,521-29,269,529, CCCTGCGAC duplicated on the plus strand (GTCGCAGGG on the coding strand, the reverse complement: NSMCE3 is on the minus strand); duplicating any 9 consecutive bases within chr15:29,269,521-29,269,537 gives the same sequence; the c. name uses the placement nearest the transcript's 3' end. VCF-style (leftmost placement, unchanged base first): chr15-29269520-G-GCCCTGCGAC. GRCh37 (hg19) VCF-style: chr15-29561724-G-GCCCTGCGAC.
Other names: c.-12-17051_-12-17043dup (NM_001387217.1, NM_001387215.1, NM_001387216.1); c.277-17051_277-17043dup (NM_001387214.1, NM_015307.2).
Identifiers: ClinVar variation 1984295 (VCV001984295.1), dbSNP rs780262072, ClinGen allele CA7446215.